The following is an entry in ClinVar:

ClinVar aggregate classification (germline): Likely benign (1 of 4 stars; one submission).

gnomAD v4.1: 2 of 1,606,758 alleles (0.00012%); highest among the groups gnomAD compares: South Asian, 0.0011%; no homozygotes.

Submission:

CeGaT Center for Human Genetics Tuebingen
Classification: Likely benign. Last evaluated: 2026-05-01. Review status: criteria provided, single submitter. Criteria: CeGaT Center For Human Genetics Tuebingen Variant Classification Criteria Version 2. Collection method: clinical testing. Allele origin: germline. Affected: yes. Observed: 1 variant allele.
Comment: MDC1: BP4, BP7

NM_014641.3(MDC1):c.3582C>T (p.Ser1194=)

Genes: MDC1 (mediator of DNA damage checkpoint 1; minus strand), MDC1-AS1 (MDC1 antisense RNA 1; plus strand). Cytogenetic location: 6p21.33.
Variant type: single nucleotide variant.
Coding change: c.3582C>T on transcript NM_014641.3 (MANE Select); coding-DNA position 3582, C replaced by T.
Protein change: p.Ser1194=; no amino-acid change (serine 1194 retained).
Molecular consequence: synonymous variant.
Genome position (GRCh38, 1-based): chr6:30,705,601, G>A on the plus strand (C>T on the coding strand, the complement: MDC1 is on the minus strand). VCF-style: chr6-30705601-G-A. GRCh37 (hg19) VCF-style: chr6-30673378-G-A.
Identifiers: ClinVar variation 4872986 (VCV004872986.2).